The following is an entry in ClinVar:

NM_000260.4(MYO7A):c.3956T>C (p.Val1319Ala)

Gene: MYO7A (myosin VIIA; plus strand). Cytogenetic location: 11q13.5.
Variant type: single nucleotide variant.
Coding change: c.3956T>C on transcript NM_000260.4 (MANE Select); coding-DNA position 3956, T replaced by C.
Protein change: p.Val1319Ala; replaces valine 1319 with alanine.
Molecular consequence: missense variant.
Genome position (GRCh38, 1-based): chr11:77,192,082, T>C. VCF-style: chr11-77192082-T-C. GRCh37 (hg19) VCF-style: chr11-76903127-T-C.
Other names: c.3956T>C, p.Val1319Ala (NM_001127180.2); c.3923T>C, p.Val1308Ala (NM_001369365.1); short protein forms V1308A, V1319A.
Identifiers: ClinVar variation 1053424 (VCV001053424.9), dbSNP rs773962194, ClinGen allele CA6198274.

ClinVar aggregate classification (germline): Uncertain significance. Review status: criteria provided, multiple submitters, no conflicts (2 of 4 stars). 3 submissions from 3 submitters: Uncertain significance (2). 1 of the submissions does not count toward it. Last evaluated 2024-07-03.

Conditions:
Usher syndrome type 1B (USH1B). Also called: Usher syndrome type IB. Identifiers: MedGen C1848638, MONDO:0700087.

Allele frequency attached by ClinVar (database versions not stated): ExAC 0.00001; gnomAD exomes 0.00001 and 0.00002.
gnomAD v4.1: 9 of 1,613,736 alleles (0.00056%); highest among the groups gnomAD compares: Non-Finnish European, 0.00076%; no homozygotes.

Submissions (3):

Women's Health and Genetics/Laboratory Corporation of America, LabCorp
Classification: Uncertain significance. Last evaluated: 2024-07-03. Review status: criteria provided, single submitter. Criteria: LabCorp Variant Classification Summary - May 2015. Collection method: clinical testing. Allele origin: germline.
Comment: Variant summary: MYO7A c.3956T>C (p.Val1319Ala) results in a non-conservative amino acid change located in the FERM domain (IPR000299) of the encoded protein sequence. Five of five in-silico tools predict a damaging effect of the variant on protein function. The variant allele was found at a frequency of 1.6e-05 in 247594 control chromosomes. The available data on variant occurrences in the general population are insufficient to allow any conclusion about variant significance. c.3956T>C has been reported in the literature in a comppund heterozygous individual affected with multiplex family age-related hearing loss (Boucher_2020). These report(s) do not provide unequivocal conclusions about association of the variant with Usher Syndrome. To our knowledge, no experimental evidence demonstrating an impact on protein function has been reported. The following publication have been ascertained in the context of this evaluation (PMID: 33229591). ClinVar contains an entry for this variant (Variation ID: 1053424). Based on the evidence outlined above, the variant was classified as uncertain significance.

Labcorp Genetics (formerly Invitae), Labcorp
Classification: Uncertain significance. Last evaluated: 2021-08-27. Review status: criteria provided, single submitter. Criteria: Invitae Variant Classification Sherloc (09022015). Collection method: clinical testing. Allele origin: germline.
Comment: This sequence change replaces valine with alanine at codon 1319 of the MYO7A protein (p.Val1319Ala). The valine residue is highly conserved and there is a small physicochemical difference between valine and alanine. This variant is present in population databases (rs773962194, ExAC 0.002%). This variant has not been reported in the literature in individuals affected with MYO7A-related conditions. Algorithms developed to predict the effect of missense changes on protein structure and function are either unavailable or do not agree on the potential impact of this missense change (SIFT: "Deleterious"; PolyPhen-2: "Probably Damaging"; Align-GVGD: "Class C0"). In summary, the available evidence is currently insufficient to determine the role of this variant in disease. Therefore, it has been classified as a Variant of Uncertain Significance.

Natera, Inc.
Classification: Uncertain significance for Usher syndrome type 1B. Last evaluated: 2021-05-25. Review status: no assertion criteria provided. Collection method: clinical testing. Allele origin: germline. Not counted in ClinVar's aggregate classification.

Literature cited by the submitters: PubMed 33229591 (cited by Women's Health and Genetics/Laboratory Corporation of America, LabCorp).